The following is an entry in ClinVar:

ClinVar aggregate classification (germline): Pathogenic (1 of 4 stars; one submission).

Conditions:
Hereditary hyperekplexia. Identifiers: Orphanet 3197, MedGen C4084968, MONDO:0021022.

Submission:

Labcorp Genetics (formerly Invitae), Labcorp
Classification: Pathogenic for Hereditary hyperekplexia. Last evaluated: 2024-11-11. Review status: criteria provided, single submitter. Criteria: Invitae Variant Classification Sherloc (09022015). Collection method: clinical testing. Allele origin: germline.
Comment: This sequence change creates a premature translational stop signal (p.Phe242Serfs*11) in the GLRA1 gene. It is expected to result in an absent or disrupted protein product. Loss-of-function variants in GLRA1 are known to be pathogenic (PMID: 20631190, 24108130). This variant is not present in population databases (gnomAD no frequency). This variant has not been reported in the literature in individuals affected with GLRA1-related conditions. ClinVar contains an entry for this variant (Variation ID: 2756322). For these reasons, this variant has been classified as Pathogenic.

Literature cited by the submitters: PubMed 20631190; PubMed 24108130.

NM_000171.4(GLRA1):c.725del (p.Phe242fs)

Gene: GLRA1 (glycine receptor alpha 1; minus strand). Cytogenetic location: 5q33.1.
Variant type: Deletion.
Coding change: c.725del on transcript NM_000171.4 (MANE Select); coding-DNA position 725, one base deleted (T; older notation c.725delT).
Protein change: p.Phe242fs; shifts the reading frame from phenylalanine 242.
Molecular consequence: frameshift variant.
Genome position (GRCh38, 1-based): chr5:151,851,577, A deleted on the plus strand (T on the coding strand, the reverse complement: GLRA1 is on the minus strand); the first of 2 consecutive A bases (chr5:151,851,577-151,851,578); deleting either gives the same sequence. VCF-style (leftmost placement, unchanged base first): chr5-151851576-GA-G. GRCh37 (hg19) VCF-style: chr5-151231137-GA-G.
Other names: c.725del, p.Phe242fs (NM_001146040.2); c.476del, p.Phe159fs (NM_001292000.2); short protein forms F159fs, F242fs.
Identifiers: ClinVar variation 2756322 (VCV002756322.3), dbSNP rs2479969893, ClinGen allele CA2697546553.